The following is an entry in ClinVar:

NM_015001.3(SPEN):c.956C>T (p.Thr319Ile)

Gene: SPEN (spen family transcriptional repressor; plus strand). Cytogenetic location: 1p36.13.
Variant type: single nucleotide variant.
Coding change: c.956C>T on transcript NM_015001.3 (MANE Select); coding-DNA position 956, C replaced by T.
Protein change: p.Thr319Ile; replaces threonine 319 with isoleucine.
Molecular consequence: missense variant.
Genome position (GRCh38, 1-based): chr1:15,909,395, C>T. VCF-style: chr1-15909395-C-T. GRCh37 (hg19) VCF-style: chr1-16235890-C-T.
Other names: short protein forms T319I.
Identifiers: ClinVar variation 3253124 (VCV003253124.1), dbSNP rs2148728276.

ClinVar aggregate classification (germline): Uncertain significance (1 of 4 stars; one submission).

Submission:

GeneDx
Classification: Uncertain significance. Last evaluated: 2023-12-09. Review status: criteria provided, single submitter. Criteria: GeneDx Variant Classification Process June 2021. Collection method: clinical testing. Allele origin: germline. Affected: yes.
Comment: Not observed at significant frequency in large population cohorts (gnomAD); In silico analysis supports that this missense variant does not alter protein structure/function; Has not been previously published as pathogenic or benign to our knowledge